The following is an entry in ClinVar:

NM_002968.3(SALL1):c.400_411dup (p.Ser137_Gly138insLysSerGlySer)

Gene: SALL1 (spalt like transcription factor 1; minus strand). Cytogenetic location: 16q12.1.
Variant type: Duplication.
Coding change: c.400_411dup on transcript NM_002968.3 (MANE Select); coding-DNA positions 400 to 411, 12 bases duplicated (AAAAGCGGCAGC).
Protein change: p.Ser137_Gly138insLysSerGlySer.
Molecular consequence: inframe insertion. On other transcripts: inframe indel (1).
Genome position (GRCh38, 1-based): chr16:51,141,811-51,141,822, GCTGCCGCTTTT duplicated on the plus strand (AAAAGCGGCAGC on the coding strand, the reverse complement: SALL1 is on the minus strand); duplicating any 12 consecutive bases within chr16:51,141,811-51,141,823 gives the same sequence; the c. name uses the placement nearest the transcript's 3' end. VCF-style (leftmost placement, unchanged base first): chr16-51141810-C-CGCTGCCGCTTTT. GRCh37 (hg19) VCF-style: chr16-51175721-C-CGCTGCCGCTTTT.
Other names: c.109_120dup, p.Ser40_Gly41insLysSerGlySer (NM_001127892.2); c.400_411dup (NM_002968.2).
Identifiers: ClinVar variation 3342430 (VCV003342430.3).

ClinVar aggregate classification (germline): Uncertain significance. Review status: criteria provided, multiple submitters, no conflicts (2 of 4 stars). 2 submissions from 2 submitters: Uncertain significance (2). Last evaluated 2026-06-16.

Conditions:
Townes syndrome (TBS). Also called: Townes-Brocks syndrome. Identifiers: Orphanet 857, MedGen C0265246, MeSH C536974, MONDO:0007142.

Submissions (2):

GeneDx
Classification: Uncertain significance. Last evaluated: 2026-06-16. Review status: criteria provided, single submitter. Criteria: GeneDx Variant Classification Process June 2021. Collection method: clinical testing. Allele origin: germline.
Comment: Reported as a benign variant identified in a cohort of patients with oculo-auriculo-vertebral spectrum disorders (PMID: 36362878); proband clinical information not provided; In-frame duplication of 4 amino acid(s) in a non-repeat region; This variant is associated with the following publications: (PMID: 36362878)

Labcorp Genetics (formerly Invitae), Labcorp
Classification: Uncertain significance for Townes syndrome. Last evaluated: 2025-08-12. Review status: criteria provided, single submitter. Criteria: Invitae Variant Classification Sherloc (09022015). Collection method: clinical testing. Allele origin: germline.
Comment: This variant, c.400_411dup, results in the insertion of 4 amino acid(s) of the SALL1 protein (p.Lys134_Ser137dup), but otherwise preserves the integrity of the reading frame. This variant is present in population databases (rs750817837, gnomAD 0.02%). This variant has not been reported in the literature in individuals affected with SALL1-related conditions. ClinVar contains an entry for this variant (Variation ID: 3342430). In summary, the available evidence is currently insufficient to determine the role of this variant in disease. Therefore, it has been classified as a Variant of Uncertain Significance.